The following is an entry in ClinVar:

ClinVar aggregate classification (germline): Uncertain significance (1 of 4 stars; one submission).

Conditions:
Osteogenesis imperfecta type I (OI1). Also called: Classic Non-deforming Osteogenesis Imperfecta with Blue Sclerae; Lobstein disease; OI, TYPE I; OSTEOGENESIS IMPERFECTA TARDA; OSTEOGENESIS IMPERFECTA WITH BLUE SCLERAE; Osteogenesis imperfecta type 1. Identifiers: Orphanet 216796, Orphanet 666, MedGen C0023931, MONDO:0008146, OMIM 166200. Disease mechanism: loss of function.

gnomAD v4.1: 2 of 1,613,314 alleles (0.00012%); highest among the groups gnomAD compares: Admixed American, 0.0017%; no homozygotes.

Submission:

Labcorp Genetics (formerly Invitae), Labcorp
Classification: Uncertain significance for Osteogenesis imperfecta type I. Last evaluated: 2022-11-20. Review status: criteria provided, single submitter. Criteria: Invitae Variant Classification Sherloc (09022015). Collection method: clinical testing. Allele origin: germline.
Comment: Variants that disrupt the consensus splice site are a relatively common cause of aberrant splicing (PMID: 17576681, 9536098). Algorithms developed to predict the effect of sequence changes on RNA splicing suggest that this variant is not likely to affect RNA splicing. This variant has not been reported in the literature in individuals affected with COL1A1-related conditions. This variant is present in population databases (no rsID available, gnomAD 0.003%). This sequence change falls in intron 23 of the COL1A1 gene. It does not directly change the encoded amino acid sequence of the COL1A1 protein. It affects a nucleotide within the consensus splice site. In summary, the available evidence is currently insufficient to determine the role of this variant in disease. Therefore, it has been classified as a Variant of Uncertain Significance.

Literature cited by the submitters: PubMed 17576681; PubMed 9536098.

NM_000088.4(COL1A1):c.1615-3T>C

Gene: COL1A1 (collagen type I alpha 1 chain; minus strand). Cytogenetic location: 17q21.33.
Variant type: single nucleotide variant.
Coding change: c.1615-3T>C on transcript NM_000088.4 (MANE Select); 3 bases into the intron before coding-DNA position 1615, T replaced by C.
Molecular consequence: intron variant.
Genome position (GRCh38, 1-based): chr17:50,194,186, A>G on the plus strand (T>C on the coding strand, the complement: COL1A1 is on the minus strand). VCF-style: chr17-50194186-A-G. GRCh37 (hg19) VCF-style: chr17-48271547-A-G.
Identifiers: ClinVar variation 2741495 (VCV002741495.3), dbSNP rs1182706124, ClinGen allele CA626689547.